The following is an entry in ClinVar:

ClinVar aggregate classification (germline): Uncertain significance (1 of 4 stars; one submission).

gnomAD v4.1: 1 of 1,613,716 alleles (0.000062%); highest among the groups gnomAD compares: Non-Finnish European, 0.000085%; no homozygotes.

Submission:

Labcorp Genetics (formerly Invitae), Labcorp
Classification: Uncertain significance. Last evaluated: 2024-07-24. Review status: criteria provided, single submitter. Criteria: Invitae Variant Classification Sherloc (09022015). Collection method: clinical testing. Allele origin: germline.
Comment: This sequence change replaces phenylalanine, which is neutral and non-polar, with leucine, which is neutral and non-polar, at codon 50 of the SLC25A32 protein (p.Phe50Leu). This variant is not present in population databases (gnomAD no frequency). This variant has not been reported in the literature in individuals affected with SLC25A32-related conditions. Advanced modeling of protein sequence and biophysical properties (such as structural, functional, and spatial information, amino acid conservation, physicochemical variation, residue mobility, and thermodynamic stability) performed at Invitae indicates that this missense variant is not expected to disrupt SLC25A32 protein function with a negative predictive value of 80%. In summary, the available evidence is currently insufficient to determine the role of this variant in disease. Therefore, it has been classified as a Variant of Uncertain Significance.

NM_030780.5(SLC25A32):c.150C>A (p.Phe50Leu)

Gene: SLC25A32 (solute carrier family 25 member 32; minus strand). Cytogenetic location: 8q22.3.
Variant type: single nucleotide variant.
Coding change: c.150C>A on transcript NM_030780.5 (MANE Select); coding-DNA position 150, C replaced by A.
Protein change: p.Phe50Leu; replaces phenylalanine 50 with leucine.
Molecular consequence: missense variant. On other transcripts: non-coding transcript variant (2).
Genome position (GRCh38, 1-based): chr8:103,414,788, G>T on the plus strand (C>A on the coding strand, the complement: SLC25A32 is on the minus strand). VCF-style: chr8-103414788-G-T. GRCh37 (hg19) VCF-style: chr8-104427016-G-T.
Other names: short protein forms F50L.
Identifiers: ClinVar variation 3614574 (VCV003614574.2).